The following is an entry in ClinVar:

ClinVar aggregate classification (germline): Uncertain significance (1 of 4 stars; one submission).

Conditions:
PCNT-related disorder. Also called: PCNT-related condition.

gnomAD v4.1: 5 of 1,609,696 alleles (0.00031%); highest among the groups gnomAD compares: Non-Finnish European, 0.00042%; no homozygotes.

Submission:

PreventionGenetics, part of Exact Sciences
Classification: Uncertain significance for PCNT-related condition. Last evaluated: 2026-01-07. Review status: criteria provided, single submitter. Criteria: ACMG Guidelines, 2015. Collection method: clinical testing. Allele origin: germline.
Comment: The PCNT c.2588A>G variant is predicted to result in the amino acid substitution p.Gln863Arg. To our knowledge, this variant has not been reported in the literature. This variant is reported in 0.00091% of alleles in individuals of European (Non-Finnish) descent in gnomAD. At this time, the clinical significance of this variant is uncertain due to the absence of conclusive functional and genetic evidence.

NM_006031.6(PCNT):c.2588A>G (p.Gln863Arg)

Gene: PCNT (pericentrin; plus strand). Cytogenetic location: 21q22.3.
Variant type: single nucleotide variant.
Coding change: c.2588A>G on transcript NM_006031.6 (MANE Select); coding-DNA position 2588, A replaced by G.
Protein change: p.Gln863Arg; replaces glutamine 863 with arginine.
Molecular consequence: missense variant.
Genome position (GRCh38, 1-based): chr21:46,363,913, A>G. VCF-style: chr21-46363913-A-G. GRCh37 (hg19) VCF-style: chr21-47783828-A-G.
Other names: c.2234A>G, p.Gln745Arg (NM_001315529.2); short protein forms Q745R, Q863R.
Identifiers: ClinVar variation 4977637 (VCV004977637.1).